The following is an entry in ClinVar:

ClinVar aggregate classification (germline): Uncertain significance (1 of 4 stars; one submission).

Conditions:
Hereditary sensory and autonomic neuropathy type 6. Also called: HSAN VI; Neuropathy, hereditary sensory and autonomic, type VI. Identifiers: Orphanet 314381, MedGen C3539003, MONDO:0013839, OMIM 614653.
Epidermolysis bullosa simplex 3, localized or generalized intermediate, with BP230 deficiency (EBS3). Also called: Epidermolysis bullosa simplex, autosomal recessive 2; Epidermolysis bullosa simplex due to BP230 deficiency. Identifiers: Orphanet 412181, MedGen C3809470, MONDO:0014180, OMIM 615425.

Allele frequency attached by ClinVar (database versions not stated): gnomAD exomes below 0.00001.
gnomAD v4.1: 3 of 1,613,956 alleles (0.00019%); highest among the groups gnomAD compares: South Asian, 0.0033%; no homozygotes.

Submission:

Labcorp Genetics (formerly Invitae), Labcorp
Classification: Uncertain significance for Epidermolysis bullosa simplex 3, localized or generalized intermediate, with BP230 deficiency; Hereditary sensory and autonomic neuropathy type 6. Last evaluated: 2022-02-25. Review status: criteria provided, single submitter. Criteria: Invitae Variant Classification Sherloc (09022015). Collection method: clinical testing. Allele origin: germline.
Comment: This variant is not present in population databases (gnomAD no frequency). This sequence change replaces lysine, which is basic and polar, with arginine, which is basic and polar, at codon 989 of the DST protein (p.Lys989Arg). In summary, the available evidence is currently insufficient to determine the role of this variant in disease. Therefore, it has been classified as a Variant of Uncertain Significance. Algorithms developed to predict the effect of missense changes on protein structure and function are either unavailable or do not agree on the potential impact of this missense change (SIFT: "Deleterious"; PolyPhen-2: "Benign"; Align-GVGD: "Class C25"). ClinVar contains an entry for this variant (Variation ID: 864563). This variant has not been reported in the literature in individuals affected with DST-related conditions.

NM_001374736.1(DST):c.4577A>G (p.Lys1526Arg)

Gene: DST (dystonin; minus strand). Cytogenetic location: 6p12.1.
Variant type: single nucleotide variant.
Coding change: c.4577A>G on transcript NM_001374736.1 (MANE Select); coding-DNA position 4577, A replaced by G.
Protein change: p.Lys1526Arg; replaces lysine 1526 with arginine.
Molecular consequence: missense variant.
Genome position (GRCh38, 1-based): chr6:56,628,060, T>C on the plus strand (A>G on the coding strand, the complement: DST is on the minus strand). VCF-style: chr6-56628060-T-C. GRCh37 (hg19) VCF-style: chr6-56492858-T-C.
Other names: c.4478A>G, p.Lys1493Arg (NM_001144769.5); c.4064A>G, p.Lys1355Arg (NM_001144770.2); c.4577A>G, p.Lys1526Arg (NM_001374722.1); c.3944A>G, p.Lys1315Arg (NM_001374729.1, NM_001374730.1, NM_001386100.1 and 1 more transcripts); c.4604A>G, p.Lys1535Arg (NM_001374734.1); c.2966A>G, p.Lys989Arg (NM_001723.7, NM_015548.5); short protein forms K1526R, K1355R, K1315R, K1493R, K1535R, K989R.
Identifiers: ClinVar variation 864563 (VCV000864563.10), dbSNP rs2098748738, ClinGen allele CA364573287.
Genomic context (GRCh38, chr6:56,628,060, plus strand): 5'-TTCTGTTGATTCAACTGTGTGGCTAGGGTTTTACTATTTTCAGGCTGATTTTCCTGAATC[T>C]TTCTCTGAGTAGTTTCAACCTGCTGGATCCAATCATCTAAAGGATGGTAAGTGTCTCTGT-3'
Protein context (NP_001361665.1, residues 1516-1536): WIQQVETTQR[Lys1526Arg]IQENQPENSK